The following is an entry in ClinVar:

NM_000321.3(RB1):c.1882G>T (p.Ala628Ser)

Gene: RB1 (RB transcriptional corepressor 1; plus strand). Cytogenetic location: 13q14.2.
Variant type: single nucleotide variant.
Coding change: c.1882G>T on transcript NM_000321.3 (MANE Select); coding-DNA position 1882, G replaced by T.
Protein change: p.Ala628Ser; replaces alanine 628 with serine.
Molecular consequence: missense variant.
Genome position (GRCh38, 1-based): chr13:48,456,271, G>T. VCF-style: chr13-48456271-G-T. GRCh37 (hg19) VCF-style: chr13-49030407-G-T.
Other names: c.1882G>T, p.Ala628Ser (NM_001407165.1); short protein forms A628S.
Identifiers: ClinVar variation 3387572 (VCV003387572.3).
Genomic context (GRCh38, chr13:48,456,271, plus strand): 5'-TCTCCTGTAAGATCTCCAAAGAAAAAAGGTTCAACTACGCGTGTAAATTCTACTGCAAAT[G>T]CAGAGACACAAGCAACCTCAGCCTTCCAGACCCAGAAGCCATTGAAATCTACCTCTCTTT-3'
Protein context (NP_000312.2, residues 618-638): STTRVNSTAN[Ala628Ser]ETQATSAFQT

ClinVar aggregate classification (germline): Conflicting classifications of pathogenicity. Review status: criteria provided, conflicting classifications (1 of 4 stars). 2 submissions from 2 submitters: Uncertain significance (1); Likely benign (1). Last evaluated 2026-05-06.

Conditions:
Hereditary cancer-predisposing syndrome. Also called: Neoplastic Syndromes, Hereditary; Tumor predisposition; Hereditary Cancer Syndrome; Hereditary neoplastic syndrome. Identifiers: Orphanet 140162, MedGen C0027672, MeSH D009386, MONDO:0015356.
Retinoblastoma (RB1). Also called: RETINOBLASTOMA, SOMATIC. Identifiers: Orphanet 790, MedGen C0035335, MeSH D012175, MONDO:0008380, OMIM 180200, HP:0009919. Disease mechanism: loss of function. Inheritance: Both sporadic and heritable forms are tested..

Submissions (2):

Ambry Genetics
Classification: Likely benign for Hereditary cancer-predisposing syndrome. Last evaluated: 2026-05-06. Review status: criteria provided, single submitter. Criteria: Ambry Variant Classification Scheme 2023. Collection method: clinical testing. Allele origin: germline.

All of Us Research Program, National Institutes of Health
Classification: Uncertain significance for Retinoblastoma. Last evaluated: 2024-07-10. Review status: criteria provided, single submitter. Criteria: ACMG Guidelines, 2015. Collection method: clinical testing. Allele origin: germline. Inheritance: Autosomal dominant inheritance. Observed: 1 variant allele, 1 heterozygote.
Comment: This missense variant replaces alanine with serine at codon 628 of the RB1 protein. Computational prediction suggests that this variant may not impact protein structure and function. To our knowledge, functional studies have not been reported for this variant. This variant has not been reported in individuals affected with RB1-related disorders in the literature. This variant has not been identified in the general population by the Genome Aggregation Database (gnomAD). The available evidence is insufficient to determine the role of this variant in disease conclusively. Therefore, this variant is classified as a Variant of Uncertain Significance.

This study involves interpretation of variants in research participants for the purpose of population health screening. Participant phenotype was not available at the time of variant classification. Additional details can be found in publication PMID: 35346344, PMCID: PMC8962531